The following is an entry in ClinVar:

ClinVar aggregate classification (germline): Uncertain significance. Review status: criteria provided, multiple submitters, no conflicts (2 of 4 stars). 3 submissions from 3 submitters: Uncertain significance (3). Last evaluated 2025-10-15.

Conditions:
Inborn genetic diseases. Identifiers: MedGen C0950123, MeSH D030342.
Familial focal epilepsy with variable foci (FPEVF). Identifiers: Orphanet 98820, MedGen C1858477, MONDO:0020310.

gnomAD v4.1: 11 of 1,614,058 alleles (0.00068%); highest among the groups gnomAD compares: African/African-American, 0.011%; no homozygotes.

Submissions (3):

Ambry Genetics
Classification: Uncertain significance for Inborn genetic diseases. Last evaluated: 2025-10-15. Review status: criteria provided, single submitter. Criteria: Ambry Variant Classification Scheme 2023. Collection method: clinical testing. Allele origin: germline.

Labcorp Genetics (formerly Invitae), Labcorp
Classification: Uncertain significance for Familial focal epilepsy with variable foci. Last evaluated: 2024-10-23. Review status: criteria provided, single submitter. Criteria: Invitae Variant Classification Sherloc (09022015). Collection method: clinical testing. Allele origin: germline.
Comment: This sequence change replaces alanine, which is neutral and non-polar, with serine, which is neutral and polar, at codon 1011 of the DEPDC5 protein (p.Ala1011Ser). The frequency data for this variant in the population databases is considered unreliable, as metrics indicate poor data quality at this position in the gnomAD database. This variant has not been reported in the literature in individuals affected with DEPDC5-related conditions. ClinVar contains an entry for this variant (Variation ID: 1052078). An algorithm developed to predict the effect of missense changes on protein structure and function outputs the following: PolyPhen-2: "Not Available". The serine amino acid residue is found in multiple mammalian species, which suggests that this missense change does not adversely affect protein function. In summary, the available evidence is currently insufficient to determine the role of this variant in disease. Therefore, it has been classified as a Variant of Uncertain Significance.

Blueprint Genetics
Classification: Uncertain significance. Last evaluated: 2022-12-29. Review status: criteria provided, single submitter. Criteria: ACMG Guidelines, 2015. Collection method: clinical testing. Allele origin: germline.

NM_001242896.3(DEPDC5):c.3031G>T (p.Ala1011Ser)

Gene: DEPDC5 (DEP domain containing 5, GATOR1 subcomplex subunit; plus strand). Cytogenetic location: 22q12.3.
Variant type: single nucleotide variant.
Coding change: c.3031G>T on transcript NM_001242896.3 (MANE Select); coding-DNA position 3031, G replaced by T.
Protein change: p.Ala1011Ser; replaces alanine 1011 with serine.
Molecular consequence: missense variant. On other transcripts: non-coding transcript variant (5).
Genome position (GRCh38, 1-based): chr22:31,846,843, G>T. VCF-style: chr22-31846843-G-T. GRCh37 (hg19) VCF-style: chr22-32242829-G-T.
Other names: c.3004G>T, p.Ala1002Ser (NM_001136029.4, NM_001369903.1, NM_014662.6); c.2797G>T, p.Ala933Ser (NM_001242897.2, NM_001363854.2, NM_001364319.2); c.3031G>T, p.Ala1011Ser (NM_001363852.2, NM_001364318.2, NM_001364320.2); c.2947G>T, p.Ala983Ser (NM_001369901.1, NM_001369902.1); c.3031G>T (NM_001242896.1); short protein forms A1002S, A1011S, A933S, A983S.
Identifiers: ClinVar variation 1052078 (VCV001052078.9), dbSNP rs764941727, ClinGen allele CA10196865.
Genomic context (GRCh38, chr22:31,846,843, plus strand): 5'-CCACTGAGAGCCCACTTGGCTGATGGCCTTGTCTCCTCTTCTCTGCTTTAGAAAGGGACC[G>T]CCATGAAAGGCTTGCAGATGACTGGGCCCATTTCCACGCATTCTCTGGAGTCAACTGCAC-3'
Protein context (NP_001229825.1, residues 1001-1021): RSDRMMRKGT[Ala1011Ser]MKGLQMTGPI